The following is an entry in ClinVar:

ClinVar aggregate classification (germline): Uncertain significance (1 of 4 stars; one submission).

Submission:

Labcorp Genetics (formerly Invitae), Labcorp
Classification: Uncertain significance. Last evaluated: 2021-02-24. Review status: criteria provided, single submitter. Criteria: Invitae Variant Classification Sherloc (09022015). Collection method: clinical testing. Allele origin: germline.
Comment: In summary, the available evidence is currently insufficient to determine the role of this variant in disease. Therefore, it has been classified as a Variant of Uncertain Significance. Algorithms developed to predict the effect of missense changes on protein structure and function (SIFT, PolyPhen-2, Align-GVGD) all suggest that this variant is likely to be tolerated, but these predictions have not been confirmed by published functional studies and their clinical significance is uncertain. This variant has not been reported in the literature in individuals with ATR-related conditions. This variant is not present in population databases (ExAC no frequency). This sequence change replaces valine with leucine at codon 486 of the ATR protein (p.Val486Leu). The valine residue is moderately conserved and there is a small physicochemical difference between valine and leucine.

NM_001184.4(ATR):c.1456G>C (p.Val486Leu)

Gene: ATR (ATR checkpoint kinase; minus strand). Cytogenetic location: 3q23.
Variant type: single nucleotide variant.
Coding change: c.1456G>C on transcript NM_001184.4 (MANE Select); coding-DNA position 1456, G replaced by C.
Protein change: p.Val486Leu; replaces valine 486 with leucine.
Molecular consequence: missense variant. On other transcripts: intron variant (1).
Genome position (GRCh38, 1-based): chr3:142,560,348, C>G on the plus strand (G>C on the coding strand, the complement: ATR is on the minus strand). VCF-style: chr3-142560348-C-G. GRCh37 (hg19) VCF-style: chr3-142279190-C-G.
Other names: c.1349+895G>C (NM_001354579.2); short protein forms V486L.
Identifiers: ClinVar variation 1434378 (VCV001434378.8), dbSNP rs2108482885, ClinGen allele CA354822808.